The following is an entry in ClinVar:

ClinVar aggregate classification (germline): Uncertain significance. Review status: criteria provided, single submitter (1 of 4 stars). 2 submissions from 2 submitters: Uncertain significance (1). 1 of the submissions does not count toward it. Last evaluated 2021-12-20.

Conditions:
Inborn genetic diseases. Identifiers: MedGen C0950123, MeSH D030342.
3-methylcrotonyl-CoA carboxylase 1 deficiency (MCC1D). Also called: MCCD TYPE 1; METHYLCROTONYLGLYCINURIA TYPE I; MCC 1 deficiency; 3 Alpha methylcrotonylglycinuria 1. Identifiers: Orphanet 6, MedGen CN028786, MONDO:0008861, OMIM 210200.

Submissions (2):

Ambry Genetics
Classification: Uncertain significance for Inborn genetic diseases. Last evaluated: 2021-12-20. Review status: criteria provided, single submitter. Criteria: Ambry Variant Classification Scheme 2023. Collection method: clinical testing. Allele origin: germline.
Comment: The c.1731+6C>G intronic alteration consists of a C to G substitution nucleotides after coding exon 15 in the MCCC1 gene. Based on insufficient or conflicting evidence, the clinical significance of this alteration remains unclear.

Natera, Inc.
Classification: Uncertain significance for 3-methylcrotonyl-CoA carboxylase 1 deficiency. Last evaluated: 2025-01-17. Review status: no assertion criteria provided. Collection method: clinical testing. Allele origin: germline. Not counted in ClinVar's aggregate classification.

NM_020166.5(MCCC1):c.1731+6C>G

Gene: MCCC1 (methylcrotonyl-CoA carboxylase subunit 1; minus strand). Cytogenetic location: 3q27.1.
Variant type: single nucleotide variant.
Coding change: c.1731+6C>G on transcript NM_020166.5 (MANE Select); 6 bases into the intron after coding-DNA position 1731, C replaced by G.
Molecular consequence: intron variant.
Genome position (GRCh38, 1-based): chr3:183,025,749, G>C on the plus strand (C>G on the coding strand, the complement: MCCC1 is on the minus strand). VCF-style: chr3-183025749-G-C. GRCh37 (hg19) VCF-style: chr3-182743537-G-C.
Other names: c.1404+6C>G (NM_001363880.1); c.1380+6C>G (NM_001293273.2); c.1731+6C>G (NM_020166.4).
Identifiers: ClinVar variation 2264621 (VCV002264621.3), dbSNP rs369754994, ClinGen allele CA2580069115.